The following is an entry in ClinVar:

ClinVar aggregate classification (germline): Likely benign (1 of 4 stars; one submission).

Conditions:
GNAS-related disorder. Identifiers: MedGen CN380105.

Submission:

PreventionGenetics, part of Exact Sciences
Classification: Likely benign for GNAS-related condition. Last evaluated: 2025-08-27. Review status: criteria provided, single submitter. Criteria: ACMG Guidelines, 2015. Collection method: clinical testing. Allele origin: germline.
Comment: This variant is classified as likely benign based on ACMG/AMP sequence variant interpretation guidelines (Richards et al. 2015 PMID: 25741868, with internal and published modifications).

NM_000516.7(GNAS):c.*253_*255dup

Gene: GNAS (GNAS complex locus; plus strand). Cytogenetic location: 20q13.32.
Variant type: Duplication.
Coding change: c.*253_*255dup on transcript NM_000516.7 (MANE Select); 253 bases downstream of the stop codon through 255 bases downstream of the stop codon, 3 bases duplicated (TAA; older notation c.*253_*255dupTAA).
Molecular consequence: 3 prime UTR variant.
Genome position (GRCh38, 1-based): chr20:58,911,082-58,911,084, TAA duplicated; duplicating any 3 consecutive bases within chr20:58,911,080-58,911,084 gives the same sequence; the c. name uses the placement nearest the transcript's 3' end. VCF-style (leftmost placement, unchanged base first): chr20-58911079-A-AAAT. GRCh37 (hg19) VCF-style: chr20-57486134-A-AAAT.
Other names: c.*253_*255dup (NM_001077488.5, NM_001077489.4, NM_001309840.2 and 10 more transcripts); c.*1299_*1301dup (NM_001077490.3); c.*1344_*1346dup (NM_016592.5).
Identifiers: ClinVar variation 4990492 (VCV004990492.1).